The following is an entry in ClinVar:

NM_032236.8(USP48):c.2395A>T (p.Ile799Leu)

Gene: USP48 (ubiquitin specific peptidase 48; minus strand). Cytogenetic location: 1p36.12.
Variant type: single nucleotide variant.
Coding change: c.2395A>T on transcript NM_032236.8 (MANE Select); coding-DNA position 2395, A replaced by T.
Protein change: p.Ile799Leu; replaces isoleucine 799 with leucine.
Molecular consequence: missense variant.
Genome position (GRCh38, 1-based): chr1:21,704,382, T>A on the plus strand (A>T on the coding strand, the complement: USP48 is on the minus strand). VCF-style: chr1-21704382-T-A. GRCh37 (hg19) VCF-style: chr1-22030875-T-A.
Other names: c.2395A>T, p.Ile799Leu (NM_001330394.3); c.2194A>T, p.Ile732Leu (NM_001350164.2); c.2389A>T, p.Ile797Leu (NM_001350166.2); c.2392A>T, p.Ile798Leu (NM_001350167.2, NM_001350168.2); short protein forms I732L, I799L, I797L, I798L.
Identifiers: ClinVar variation 4981641 (VCV004981641.1).

ClinVar aggregate classification (germline): Likely benign (1 of 4 stars; one submission).

Conditions:
USP48-related condition.

gnomAD v4.1: 1,766 of 1,612,820 alleles (0.11%); highest among the groups gnomAD compares: Admixed American, 0.28%; 3 homozygotes.

Submission:

PreventionGenetics, part of Exact Sciences
Classification: Likely benign for USP48-related condition. Last evaluated: 2024-10-22. Review status: criteria provided, single submitter. Criteria: ACMG Guidelines, 2015. Collection method: clinical testing. Allele origin: germline.
Comment: This variant is classified as likely benign based on ACMG/AMP sequence variant interpretation guidelines (Richards et al. 2015 PMID: 25741868, with internal and published modifications).